The following is an entry in ClinVar:

ClinVar aggregate classification (germline): Uncertain significance (1 of 4 stars; one submission).

Conditions:
Fanconi anemia complementation group O. Also called: RAD51C-Related Fanconi Anemia. Identifiers: Orphanet 84, MedGen C3150653, MONDO:0013248, OMIM 613390.

Submission:

Labcorp Genetics (formerly Invitae), Labcorp
Classification: Uncertain significance for Fanconi anemia complementation group O. Last evaluated: 2022-08-31. Review status: criteria provided, single submitter. Criteria: Invitae Variant Classification Sherloc (09022015). Collection method: clinical testing. Allele origin: germline.
Comment: This variant has not been reported in the literature in individuals affected with RAD51C-related conditions. In summary, the available evidence is currently insufficient to determine the role of this variant in disease. Therefore, it has been classified as a Variant of Uncertain Significance. Algorithms developed to predict the effect of missense changes on protein structure and function are either unavailable or do not agree on the potential impact of this missense change (SIFT: "Deleterious"; PolyPhen-2: "Probably Damaging"; Align-GVGD: "Class C0"). This variant is not present in population databases (gnomAD no frequency). This sequence change replaces lysine, which is basic and polar, with asparagine, which is neutral and polar, at codon 328 of the RAD51C protein (p.Lys328Asn).

NM_058216.3(RAD51C):c.984G>C (p.Lys328Asn)

Gene: RAD51C (RAD51 paralog C; plus strand). Cytogenetic location: 17q22.
Variant type: single nucleotide variant.
Coding change: c.984G>C on transcript NM_058216.3 (MANE Select); coding-DNA position 984, G replaced by C.
Protein change: p.Lys328Asn; replaces lysine 328 with asparagine.
Molecular consequence: missense variant. On other transcripts: non-coding transcript variant (1).
Genome position (GRCh38, 1-based): chr17:58,732,502, G>C. VCF-style: chr17-58732502-G-C. GRCh37 (hg19) VCF-style: chr17-56809863-G-C.
Other names: c.*412G>C (NM_058217.1); short protein forms K328N.
Identifiers: ClinVar variation 1718432 (VCV001718432.5), dbSNP rs2144045008, ClinGen allele CA400364918.
Genomic context (GRCh38, chr17:58,732,502, plus strand): 5'-AGTTCATGTGTTTGTATGTATTTATTCTTTTTCTTTAAGCAGGTTGGCAACATTGTACAA[G>C]TCACCCAGCCAGAAGGAATGCACAGTACTGTTTCAAATCAAAGTCAGTATTATTTGATTA-3'
Protein context (NP_478123.1, residues 318-338): DRKQRLATLY[Lys328Asn]SPSQKECTVL